The following is an entry in ClinVar:

NM_001212.4(C1QBP):c.778A>G (p.Ser260Gly)

Gene: C1QBP (complement C1q binding protein; minus strand). Cytogenetic location: 17p13.2.
Variant type: single nucleotide variant.
Coding change: c.778A>G on transcript NM_001212.4 (MANE Select); coding-DNA position 778, A replaced by G.
Protein change: p.Ser260Gly; replaces serine 260 with glycine.
Molecular consequence: missense variant.
Genome position (GRCh38, 1-based): chr17:5,433,086, T>C on the plus strand (A>G on the coding strand, the complement: C1QBP is on the minus strand). VCF-style: chr17-5433086-T-C. GRCh37 (hg19) VCF-style: chr17-5336406-T-C.
Other names: short protein forms S260G.
Identifiers: ClinVar variation 4781374 (VCV004781374.1).

ClinVar aggregate classification (germline): Uncertain significance (1 of 4 stars; one submission).

Submission:

Labcorp Genetics (formerly Invitae), Labcorp
Classification: Uncertain significance. Last evaluated: 2025-12-16. Review status: criteria provided, single submitter. Criteria: Invitae Variant Classification Sherloc (09022015). Collection method: clinical testing. Allele origin: germline.
Comment: This sequence change replaces serine, which is neutral and polar, with glycine, which is neutral and non-polar, at codon 260 of the C1QBP protein (p.Ser260Gly). This variant is present in population databases (rs375121100, gnomAD 0.06%). This variant has not been reported in the literature in individuals affected with C1QBP-related conditions. Invitae Evidence Modeling of protein sequence and biophysical properties (such as structural, functional, and spatial information, amino acid conservation, physicochemical variation, residue mobility, and thermodynamic stability) indicates that this missense variant is expected to disrupt C1QBP protein function with a positive predictive value of 80%. In summary, the available evidence is currently insufficient to determine the role of this variant in disease. Therefore, it has been classified as a Variant of Uncertain Significance.